The following is an entry in ClinVar:

ClinVar aggregate classification (germline): Conflicting classifications of pathogenicity. Review status: criteria provided, conflicting classifications (1 of 4 stars). 6 submissions from 5 submitters: Uncertain significance (2); Likely benign (4). Last evaluated 2026-01-27.

Conditions:
RYR1-related disorder. Also called: RYR1-related disorders; RYR1-related condition. Identifiers: MedGen CN239331.
Malignant hyperthermia, susceptibility to, 1 (MHS1). Also called: Anesthesia related hyperthermia; Malignant hyperpyrexia; Fulminating hyperpyrexia; Pharmacogenic myopathy; RYR1-Related Malignant Hyperthermia Susceptibility; Malignant hyperthermia suceptibility 1. Identifiers: Orphanet 423, MedGen C2930980, MONDO:0007783, OMIM 145600.
Congenital multicore myopathy with external ophthalmoplegia (CMYO1B). Also called: MULTIMINICORE DISEASE WITH EXTERNAL OPHTHALMOPLEGIA; MULTICORE MYOPATHY; Congenital myopathy 1B, autosomal recessive; Minicore myopathy; Minicore myopathy with external ophthalmoplegia. Identifiers: Orphanet 598, Orphanet 98905, MedGen C1850674, MONDO:0009712, OMIM 255320, HP:0003789.

Allele frequency attached by ClinVar (database versions not stated): gnomAD exomes 0.00001 and 0.00003; ExAC 0.00002; TOPMed 0.00002; gnomAD 0.00003.
gnomAD v4.1: 52 of 1,613,886 alleles (0.0032%); highest among the groups gnomAD compares: Non-Finnish European, 0.0042%; no homozygotes.

Submissions (6):

Labcorp Genetics (formerly Invitae), Labcorp
Classification: Likely benign for RYR1-related disorder. Last evaluated: 2026-01-27. Review status: criteria provided, single submitter. Criteria: Invitae Variant Classification Sherloc (09022015). Collection method: clinical testing. Allele origin: germline.

Blueprint Genetics
Classification: Likely benign. Last evaluated: 2024-11-18. Review status: criteria provided, single submitter. Criteria: ACMG Guidelines, 2015. Collection method: clinical testing. Allele origin: germline.

All of Us Research Program, National Institutes of Health
Classification: Likely benign for Malignant hyperthermia, susceptibility to, 1. Last evaluated: 2023-12-13. Review status: criteria provided, single submitter. Criteria: ACMG Guidelines, 2015. Collection method: clinical testing. Allele origin: germline. Inheritance: Autosomal dominant inheritance. Observed: 5 variant alleles, 5 heterozygotes.
Comment: This study involves interpretation of variants in research participants for the purpose of population health screening. Participant phenotype was not available at the time of variant classification. Additional details can be found in publication PMID: 35346344, PMCID: PMC8962531

Color Diagnostics, LLC DBA Color Health
Classification: Likely benign for Malignant hyperthermia, susceptibility to, 1. Last evaluated: 2022-11-06. Review status: criteria provided, single submitter. Criteria: ACMG Guidelines, 2015. Collection method: clinical testing. Allele origin: germline.

Illumina Laboratory Services, Illumina
Classification: Uncertain significance for Congenital multicore myopathy with external ophthalmoplegia. Last evaluated: 2018-01-13. Review status: criteria provided, single submitter. Criteria: ICSL Variant Classification Criteria 13 December 2019. Collection method: clinical testing. Allele origin: germline.

Illumina Laboratory Services, Illumina
Classification: Uncertain significance for Malignant hyperthermia, susceptibility to, 1. Last evaluated: 2018-01-13. Review status: criteria provided, single submitter. Criteria: ICSL Variant Classification Criteria 13 December 2019. Collection method: clinical testing. Allele origin: germline.

NM_000540.3(RYR1):c.6078G>A (p.Glu2026=)

Gene: RYR1 (ryanodine receptor 1; plus strand). Cytogenetic location: 19q13.2.
Variant type: single nucleotide variant.
Coding change: c.6078G>A on transcript NM_000540.3 (MANE Select); coding-DNA position 6078, G replaced by A.
Protein change: p.Glu2026=; no amino-acid change (glutamic acid 2026 retained).
Molecular consequence: synonymous variant.
Genome position (GRCh38, 1-based): chr19:38,490,683, G>A. VCF-style: chr19-38490683-G-A. GRCh37 (hg19) VCF-style: chr19-38981323-G-A.
Other names: c.6078G>A, p.Glu2026= (NM_001042723.2).
Identifiers: ClinVar variation 329044 (VCV000329044.19), dbSNP rs201310026, ClinGen allele CA067726.
Genomic context (GRCh38, chr19:38,490,683, plus strand): 5'-CAATATGCTATTGCAATTCAAAGATGGTACAGATGAGGAAGACTGTCCTCTCCCTGAAGA[G>A]ATTCGACAGGATTTGCTTGACTTTCATCAAGACCTGCTGGCACACTGTGGTAAGGAGTGG-3'
Protein context (NP_000531.2, residues 2016-2036): TDEEDCPLPE[Glu2026=]IRQDLLDFHQ